The following is an entry in ClinVar:

NM_000059.4(BRCA2):c.4160_4161insTAA (p.Leu1387delinsPheLys)

Gene: BRCA2 (BRCA2 DNA repair associated; plus strand). Cytogenetic location: 13q13.1.
Variant type: Insertion.
Coding change: c.4160_4161insTAA on transcript NM_000059.4 (MANE Select); coding-DNA positions 4160 to 4161, TAA inserted.
Protein change: p.Leu1387delinsPheLys.
Molecular consequence: inframe indel. On other transcripts: intron variant (2), non-coding transcript variant (1).
Genome position: GRCh38 VCF-style: chr13-32338515-T-TTAA. GRCh37 (hg19) VCF-style: chr13-32912652-T-TTAA.
Other names: c.1909+5128_1909+5129insTAA (NM_001406721.1); c.425-6043_425-6042insTAA (NM_001406722.1); c.4160_4161insTAA, p.Leu1387delinsPheLys (NM_001406719.1, NM_001406720.1).
Identifiers: ClinVar variation 2774907 (VCV002774907.2), dbSNP rs765444423, ClinGen allele CA2697551728.
Genomic context (GRCh38, chr13:32,338,515, plus strand): 5'-AATTATCTGGCCAGTTTATGAAGGAGGGAAACACTCAGATTAAAGAAGATTTGTCAGATT[T>TTAA]AACTTTTTTGGAAGTTGCGAAAGCTCAAGAAGCATGTCATGGTAATACTTCAAATAAAGA-3'

ClinVar aggregate classification (germline): Uncertain significance (1 of 4 stars; one submission).

Conditions:
Hereditary cancer-predisposing syndrome. Also called: Neoplastic Syndromes, Hereditary; Tumor predisposition; Hereditary Cancer Syndrome; Hereditary neoplastic syndrome. Identifiers: Orphanet 140162, MedGen C0027672, MeSH D009386, MONDO:0015356.

Submission:

Color Diagnostics, LLC DBA Color Health
Classification: Uncertain significance for Hereditary cancer-predisposing syndrome. Last evaluated: 2023-02-17. Review status: criteria provided, single submitter. Criteria: ACMG Guidelines, 2015. Collection method: clinical testing. Allele origin: germline.
Comment: This variant causes an in-frame insertion of one amino acid and changes a second amino acid in exon 11 of the BRCA2 protein. To our knowledge, functional studies have not been reported for this variant. This variant has not been reported in individuals affected with BRCA2-related disorders in the literature. This variant has not been identified in the general population by the Genome Aggregation Database (gnomAD). The available evidence is insufficient to determine the role of this variant in disease conclusively. Therefore, this variant is classified as a Variant of Uncertain Significance.